The following is an entry in ClinVar:

NM_032830.3(UTP4):c.571G>A (p.Val191Met)

Gene: UTP4 (UTP4 small subunit processome component). Cytogenetic location: 16q22.1.
Variant type: single nucleotide variant.
Coding change: c.571G>A on transcript NM_032830.3 (MANE Select); coding-DNA position 571, G replaced by A.
Protein change: p.Val191Met; replaces valine 191 with methionine.
Molecular consequence: missense variant.
Genome position (GRCh38, 1-based): chr16:69,143,222, G>A. VCF-style: chr16-69143222-G-A. GRCh37 (hg19) VCF-style: chr16-69177125-G-A.
Other names: c.322G>A, p.Val108Met (NM_001318391.2); short protein forms V191M, V108M.
Identifiers: ClinVar variation 2898888 (VCV002898888.3), dbSNP rs146370056, ClinGen allele CA8132101.

ClinVar aggregate classification (germline): Uncertain significance (1 of 4 stars; one submission).

Allele frequency attached by ClinVar (database versions not stated): gnomAD exomes below 0.00001; ExAC 0.00002; gnomAD 0.00003; TOPMed 0.00004; ESP Exome Variant Server 0.00015.

Submission:

Labcorp Genetics (formerly Invitae), Labcorp
Classification: Uncertain significance. Last evaluated: 2023-04-24. Review status: criteria provided, single submitter. Criteria: Invitae Variant Classification Sherloc (09022015). Collection method: clinical testing. Allele origin: germline.
Comment: An algorithm developed to predict the effect of missense changes on protein structure and function (PolyPhen-2) suggests that this variant is likely to be tolerated. This sequence change replaces valine, which is neutral and non-polar, with methionine, which is neutral and non-polar, at codon 191 of the UTP4 protein (p.Val191Met). The frequency data for this variant in the population databases is considered unreliable, as metrics indicate poor data quality at this position in the gnomAD database. This variant has not been reported in the literature in individuals affected with UTP4-related conditions. In summary, the available evidence is currently insufficient to determine the role of this variant in disease. Therefore, it has been classified as a Variant of Uncertain Significance.